The following is an entry in ClinVar:

NM_001453.3(FOXC1):c.1448G>A (p.Gly483Asp)

Gene: FOXC1 (forkhead box C1; plus strand). Cytogenetic location: 6p25.3.
Variant type: single nucleotide variant.
Coding change: c.1448G>A on transcript NM_001453.3 (MANE Select); coding-DNA position 1448, G replaced by A.
Protein change: p.Gly483Asp; replaces glycine 483 with aspartic acid.
Molecular consequence: missense variant.
Genome position (GRCh38, 1-based): chr6:1,611,893, G>A. VCF-style: chr6-1611893-G-A. GRCh37 (hg19) VCF-style: chr6-1612128-G-A.
Other names: short protein forms G483D.
Identifiers: ClinVar variation 4880839 (VCV004880839.2).

ClinVar aggregate classification (germline): Uncertain significance (1 of 4 stars; one submission).

Submission:

Dasa
Classification: Uncertain significance. Last evaluated: 2025-08-25. Review status: criteria provided, single submitter. Criteria: DASA Assertion Criteria. Collection method: clinical testing. Allele origin: germline.
Comment: NM_001453.3(FOXC1):c.1448G>A (p.Gly483Asp) is a missense variant that results in the substitution of glycine with aspartic acid. This variant is absent from population databases. Computational prediction algorithms are consistent with a benign effect. The currently available literature and clinical evidence are not sufficient to establish a definitive association between this variant and the reported condition. Therefore, this variant is classified as a variant of uncertain significance.